The following is an entry in ClinVar:

ClinVar aggregate classification (germline): Uncertain significance (1 of 4 stars; one submission).

Allele frequency attached by ClinVar (database versions not stated): gnomAD exomes below 0.00001.
gnomAD v4.1: 1 of 1,614,082 alleles (0.000062%); highest among the groups gnomAD compares: Non-Finnish European, 0.000085%; no homozygotes.

Submission:

Labcorp Genetics (formerly Invitae), Labcorp
Classification: Uncertain significance. Last evaluated: 2023-03-09. Review status: criteria provided, single submitter. Criteria: Invitae Variant Classification Sherloc (09022015). Collection method: clinical testing. Allele origin: germline.
Comment: This sequence change replaces glutamic acid, which is acidic and polar, with glycine, which is neutral and non-polar, at codon 1230 of the KMT2A protein (p.Glu1230Gly). In summary, the available evidence is currently insufficient to determine the role of this variant in disease. Therefore, it has been classified as a Variant of Uncertain Significance. Advanced modeling of protein sequence and biophysical properties (such as structural, functional, and spatial information, amino acid conservation, physicochemical variation, residue mobility, and thermodynamic stability) performed at Invitae indicates that this missense variant is not expected to disrupt KMT2A protein function. This variant has not been reported in the literature in individuals affected with KMT2A-related conditions. This variant is not present in population databases (gnomAD no frequency).

NM_001197104.2(KMT2A):c.3689A>G (p.Glu1230Gly)

Gene: KMT2A (lysine methyltransferase 2A; plus strand). Cytogenetic location: 11q23.3.
Variant type: single nucleotide variant.
Coding change: c.3689A>G on transcript NM_001197104.2 (MANE Select); coding-DNA position 3689, A replaced by G.
Protein change: p.Glu1230Gly; replaces glutamic acid 1230 with glycine.
Molecular consequence: missense variant.
Genome position (GRCh38, 1-based): chr11:118,481,769, A>G. VCF-style: chr11-118481769-A-G. GRCh37 (hg19) VCF-style: chr11-118352484-A-G.
Other names: c.3788A>G, p.Glu1263Gly (NM_001412597.1); c.3689A>G, p.Glu1230Gly (NM_005933.4); short protein forms E1230G, E1263G.
Identifiers: ClinVar variation 2844575 (VCV002844575.3), dbSNP rs2496862076, ClinGen allele CA382827229.